The following is an entry in ClinVar:

NM_001378454.1(ALMS1):c.8690A>G (p.Asp2897Gly)

Gene: ALMS1 (ALMS1 centrosome and basal body associated protein; plus strand). Cytogenetic location: 2p13.1.
Variant type: single nucleotide variant.
Coding change: c.8690A>G on transcript NM_001378454.1 (MANE Select); coding-DNA position 8690, A replaced by G.
Protein change: p.Asp2897Gly; replaces aspartic acid 2897 with glycine.
Molecular consequence: missense variant.
Genome position (GRCh38, 1-based): chr2:73,490,649, A>G. VCF-style: chr2-73490649-A-G. GRCh37 (hg19) VCF-style: chr2-73717776-A-G.
Other names: c.8693A>G, p.Asp2898Gly (NM_015120.4); short protein forms D2897G, D2898G.
Identifiers: ClinVar variation 4993154 (VCV004993154.1).
Genomic context (GRCh38, chr2:73,490,649, plus strand): 5'-CTTCTTGCATTTTTCTTGAACAACGAGAGCTCTTTGAACAAAGCAAAGCCCCACGTGCAG[A>G]TGACCATGTGAGGAAACACCATTCTCCCTCTCCTCAACATCAGGATTATGTAGCTCCAGA-3'
Protein context (NP_001365383.1, residues 2887-2907): LFEQSKAPRA[Asp2897Gly]DHVRKHHSPS

ClinVar aggregate classification (germline): Uncertain significance (1 of 4 stars; one submission).

Conditions:
ALMS1-related disorder. Also called: ALMS1-related condition.

Submission:

PreventionGenetics, part of Exact Sciences
Classification: Uncertain significance for ALMS1-related condition. Last evaluated: 2026-09-20. Review status: criteria provided, single submitter. Criteria: ACMG Guidelines, 2015. Collection method: clinical testing. Allele origin: germline.
Comment: The ALMS1 c.8693A>G variant is predicted to result in the amino acid substitution p.His2898Arg. To our knowledge, this variant has not been reported in the literature or in a large population database (gnomAD), indicating this variant is rare. At this time, the clinical significance of this variant is uncertain due to the absence of conclusive functional and genetic evidence.